The following is an entry in ClinVar:

NM_000051.4(ATM):c.133C>A (p.Arg45=)

Gene: ATM (ATM serine/threonine kinase; plus strand). Cytogenetic location: 11q22.3.
Variant type: single nucleotide variant.
Coding change: c.133C>A on transcript NM_000051.4 (MANE Select); coding-DNA position 133, C replaced by A.
Protein change: p.Arg45=; no amino-acid change (arginine 45 retained).
Molecular consequence: synonymous variant.
Genome position (GRCh38, 1-based): chr11:108,227,836, C>A. VCF-style: chr11-108227836-C-A. GRCh37 (hg19) VCF-style: chr11-108098563-C-A.
Other names: c.133C>A, p.Arg45= (NM_001351834.2, NM_001351835.2, NM_001351836.2).
Identifiers: ClinVar variation 482560 (VCV000482560.39), dbSNP rs3218684, ClinGen allele CA6264517.
Genomic context (GRCh38, chr11:108,227,836, plus strand): 5'-AAAGAAGTTGAGAAATTTAAGCGCCTGATTCGAGATCCTGAAACAATTAAACATCTAGAT[C>A]GGCATTCAGATTCCAAACAAGGAAAATATTTGAATTGGGATGCTGTTTTTAGGTATTCTA-3'
Protein context (NP_000042.3, residues 35-55): RDPETIKHLD[Arg45=]HSDSKQGKYL

ClinVar aggregate classification (germline): Benign/Likely benign. Review status: criteria provided, multiple submitters, no conflicts (2 of 4 stars). 4 submissions from 4 submitters: Benign (1); Likely benign (3). Last evaluated 2025-05-21.

Conditions:
Hereditary cancer-predisposing syndrome. Also called: Hereditary neoplastic syndrome; Tumor predisposition; Neoplastic Syndromes, Hereditary; Hereditary Cancer Syndrome. Identifiers: Orphanet 140162, MedGen C0027672, MeSH D009386, MONDO:0015356.
Ataxia-telangiectasia syndrome (AT). Also called: ATAXIA-TELANGIECTASIA, COMPLEMENTATION GROUP A; ATAXIA-TELANGIECTASIA, FRESNO VARIANT; Ataxia-telangiectasia; Cerebello-oculocutaneous telangiectasia; Immunodeficiency with ataxia telangiectasia; Ataxia telangiectasia (A-T). Identifiers: Orphanet 100, MedGen C0004135, MONDO:0008840, OMIM 208900.
Familial cancer of breast. Also called: Hereditary breast cancer; hereditary breast carcinoma; BREAST CANCER, FAMILIAL. Identifiers: Orphanet 227535, MedGen C0346153, MONDO:0016419, OMIM 114480. Disease mechanism: loss of function.

gnomAD v4.1: 5 of 1,613,442 alleles (0.00031%); highest among the groups gnomAD compares: South Asian, 0.0033%; no homozygotes.

Submissions (4):

Labcorp Genetics (formerly Invitae), Labcorp
Classification: Likely benign for Ataxia-telangiectasia syndrome. Last evaluated: 2025-05-21. Review status: criteria provided, single submitter. Criteria: Invitae Variant Classification Sherloc (09022015). Collection method: clinical testing. Allele origin: germline.

Myriad Genetics, Inc.
Classification: Benign for Familial cancer of breast. Last evaluated: 2024-04-17. Review status: criteria provided, single submitter. Criteria: Myriad Autosomal Dominant, Autosomal Recessive and X-Linked Classification Criteria (2023). Collection method: clinical testing. Allele origin: unknown.
Comment: This variant is considered benign. This variant is a silent/synonymous amino acid change and it is not expected to impact splicing.

CeGaT Center for Human Genetics Tuebingen
Classification: Likely benign. Last evaluated: 2022-10-01. Review status: criteria provided, single submitter. Criteria: CeGaT Center For Human Genetics Tuebingen Variant Classification Criteria Version 2. Collection method: clinical testing. Allele origin: germline. Affected: yes. Observed: 1 variant allele.
Comment: ATM: BP4, BP7

Ambry Genetics
Classification: Likely benign for Hereditary cancer-predisposing syndrome. Last evaluated: 2016-01-25. Review status: criteria provided, single submitter. Criteria: Ambry Variant Classification Scheme 2023. Collection method: clinical testing. Allele origin: germline.